The following is an entry in ClinVar:

ClinVar aggregate classification (germline): Uncertain significance. Review status: criteria provided, multiple submitters, no conflicts (2 of 4 stars). 2 submissions from 2 submitters: Uncertain significance (2). Last evaluated 2025-04-11.

Conditions:
Inborn genetic diseases. Identifiers: MedGen C0950123, MeSH D030342.

Allele frequency attached by ClinVar (database versions not stated): TOPMed 0.00002; gnomAD 0.00003.
gnomAD v4.1: 21 of 1,613,948 alleles (0.0013%); highest among the groups gnomAD compares: Non-Finnish European, 0.0017%; no homozygotes.

Submissions (2):

Ambry Genetics
Classification: Uncertain significance for Inborn genetic diseases. Last evaluated: 2025-04-11. Review status: criteria provided, single submitter. Criteria: Ambry Variant Classification Scheme 2023. Collection method: clinical testing. Allele origin: germline.

Labcorp Genetics (formerly Invitae), Labcorp
Classification: Uncertain significance. Last evaluated: 2021-08-14. Review status: criteria provided, single submitter. Criteria: Invitae Variant Classification Sherloc (09022015). Collection method: clinical testing. Allele origin: germline.
Comment: This variant has not been reported in the literature in individuals affected with MCM3AP-related conditions. This sequence change replaces histidine with tyrosine at codon 1215 of the MCM3AP protein (p.His1215Tyr). The histidine residue is moderately conserved and there is a moderate physicochemical difference between histidine and tyrosine. This variant is not present in population databases (ExAC no frequency). Algorithms developed to predict the effect of missense changes on protein structure and function (SIFT, PolyPhen-2, Align-GVGD) all suggest that this variant is likely to be tolerated. In summary, the available evidence is currently insufficient to determine the role of this variant in disease. Therefore, it has been classified as a Variant of Uncertain Significance.

NM_003906.5(MCM3AP):c.3643C>T (p.His1215Tyr)

Gene: MCM3AP (minichromosome maintenance complex component 3 associated protein; minus strand). Cytogenetic location: 21q22.3.
Variant type: single nucleotide variant.
Coding change: c.3643C>T on transcript NM_003906.5 (MANE Select); coding-DNA position 3643, C replaced by T.
Protein change: p.His1215Tyr; replaces histidine 1215 with tyrosine.
Molecular consequence: missense variant.
Genome position (GRCh38, 1-based): chr21:46,259,030, G>A on the plus strand (C>T on the coding strand, the complement: MCM3AP is on the minus strand). VCF-style: chr21-46259030-G-A. GRCh37 (hg19) VCF-style: chr21-47678944-G-A.
Other names: c.3643C>T (NM_003906.3); short protein forms H1215Y.
Identifiers: ClinVar variation 1440009 (VCV001440009.5), dbSNP rs763277335, ClinGen allele CA321984242.